The following is an entry in ClinVar:

ClinVar aggregate classification (germline): Uncertain significance (1 of 4 stars; one submission).

Submission:

Ambry Genetics
Classification: Uncertain significance. Last evaluated: 2025-12-16. Review status: criteria provided, single submitter. Criteria: Ambry Variant Classification Scheme 2023. Collection method: clinical testing. Allele origin: germline.
Comment: The p.I332F variant (also known as c.994A>T), located in coding exon 9 of the FAM175A gene, results from an A to T substitution at nucleotide position 994. The isoleucine at codon 332 is replaced by phenylalanine, an amino acid with highly similar properties. This amino acid position is conserved. In addition, this alteration is predicted to be tolerated by in silico analysis. Since supporting evidence is limited at this time, the clinical significance of this alteration remains unclear.

NM_139076.3(ABRAXAS1):c.994A>T (p.Ile332Phe)

Gene: ABRAXAS1 (abraxas 1, BRCA1 A complex subunit; minus strand). Cytogenetic location: 4q21.23.
Variant type: single nucleotide variant.
Coding change: c.994A>T on transcript NM_139076.3 (MANE Select); coding-DNA position 994, A replaced by T.
Protein change: p.Ile332Phe; replaces isoleucine 332 with phenylalanine.
Molecular consequence: missense variant.
Genome position (GRCh38, 1-based): chr4:83,462,705, T>A on the plus strand (A>T on the coding strand, the complement: ABRAXAS1 is on the minus strand). VCF-style: chr4-83462705-T-A. GRCh37 (hg19) VCF-style: chr4-84383858-T-A.
Other names: c.667A>T, p.Ile223Phe (NM_001345962.2); short protein forms I223F, I332F.
Identifiers: ClinVar variation 2625948 (VCV002625948.3), dbSNP rs2529418573, ClinGen allele CA357255580.